The following is an entry in ClinVar:

NM_002474.3(MYH11):c.3040A>C (p.Asn1014His)

Gene: MYH11 (myosin heavy chain 11; minus strand). Cytogenetic location: 16p13.11.
Variant type: single nucleotide variant.
Coding change: c.3040A>C on transcript NM_002474.3 (MANE Select); coding-DNA position 3040, A replaced by C.
Protein change: p.Asn1014His; replaces asparagine 1014 with histidine.
Molecular consequence: missense variant.
Genome position (GRCh38, 1-based): chr16:15,738,646, T>G on the plus strand (A>C on the coding strand, the complement: MYH11 is on the minus strand). VCF-style: chr16-15738646-T-G. GRCh37 (hg19) VCF-style: chr16-15832503-T-G.
Other names: c.3061A>C, p.Asn1021His (NM_001040113.2, NM_001040114.2); c.3040A>C, p.Asn1014His (NM_022844.3); short protein forms N1014H, N1021H.
Identifiers: ClinVar variation 2261444 (VCV002261444.3), dbSNP rs1347671761, ClinGen allele CA394863945.
Genomic context (GRCh38, chr16:15,738,646, plus strand): 5'-ATTCATGCTTGTTTTTCAGCTTGGTAAGATTCTTGGCCTTTTCTTCCTCTTCTGCAAGAT[T>G]TGTCGTTAAGTCACTAATCCTCTCCTCAAGGAGTTTTCGTTCCTTTTTGGGGAAAGAGAA-3'
Protein context (NP_002465.1, residues 1004-1024): LEERISDLTT[Asn1014His]LAEEEEKAKN

ClinVar aggregate classification (germline): Uncertain significance (1 of 4 stars; one submission).

Conditions:
Familial thoracic aortic aneurysm and aortic dissection (TAAD). Also called: Thoracic aortic aneurysms and dissections. Identifiers: Orphanet 91387, MedGen C4707243, MONDO:0019625.

Allele frequency attached by ClinVar (database versions not stated): gnomAD exomes below 0.00001; TOPMed below 0.00001.
gnomAD v4.1: 1 of 1,614,080 alleles (0.000062%); highest among the groups gnomAD compares: South Asian, 0.0011%; no homozygotes.

Submission:

Ambry Genetics
Classification: Uncertain significance for Familial thoracic aortic aneurysm and aortic dissection. Last evaluated: 2026-01-17. Review status: criteria provided, single submitter. Criteria: Ambry Variant Classification Scheme 2023. Collection method: clinical testing. Allele origin: germline.
Comment: The p.N1014H variant (also known as c.3040A>C), located in coding exon 23 of the MYH11 gene, results from an A to C substitution at nucleotide position 3040. The asparagine at codon 1014 is replaced by histidine, an amino acid with similar properties. This amino acid position is conserved. In addition, the in silico prediction for this alteration is inconclusive. Based on the available evidence, the clinical significance of this variant remains unclear.